The following is an entry in ClinVar:

ClinVar aggregate classification (germline): Uncertain significance (1 of 4 stars; one submission).

Submission:

Labcorp Genetics (formerly Invitae), Labcorp
Classification: Uncertain significance. Last evaluated: 2023-12-13. Review status: criteria provided, single submitter. Criteria: Invitae Variant Classification Sherloc (09022015). Collection method: clinical testing. Allele origin: germline.
Comment: This sequence change replaces methionine, which is neutral and non-polar, with isoleucine, which is neutral and non-polar, at codon 1092 of the COL4A1 protein (p.Met1092Ile). This variant is not present in population databases (gnomAD no frequency). This variant has not been reported in the literature in individuals affected with COL4A1-related conditions. Algorithms developed to predict the effect of missense changes on protein structure and function output the following: SIFT: "Not Available"; PolyPhen-2: "Benign"; Align-GVGD: "Not Available". The isoleucine amino acid residue is found in multiple mammalian species, which suggests that this missense change does not adversely affect protein function. In summary, the available evidence is currently insufficient to determine the role of this variant in disease. Therefore, it has been classified as a Variant of Uncertain Significance.

NM_001845.6(COL4A1):c.3276G>A (p.Met1092Ile)

Gene: COL4A1 (collagen type IV alpha 1 chain; minus strand). Cytogenetic location: 13q34.
Variant type: single nucleotide variant.
Coding change: c.3276G>A on transcript NM_001845.6 (MANE Select); coding-DNA position 3276, G replaced by A.
Protein change: p.Met1092Ile; replaces methionine 1092 with isoleucine.
Molecular consequence: missense variant.
Genome position (GRCh38, 1-based): chr13:110,174,672, C>T on the plus strand (G>A on the coding strand, the complement: COL4A1 is on the minus strand). VCF-style: chr13-110174672-C-T. GRCh37 (hg19) VCF-style: chr13-110827019-C-T.
Other names: short protein forms M1092I.
Identifiers: ClinVar variation 3012151 (VCV003012151.3), dbSNP rs1877798273, ClinGen allele CA388664597.